The following is an entry in ClinVar:

NM_001953.5(TYMP):c.1078del (p.Leu360fs)

Genes: SCO2 (synthesis of cytochrome C oxidase 2; minus strand), TYMP (thymidine phosphorylase; minus strand), LOC130067862 (ATAC-STARR-seq lymphoblastoid silent region 13986; plus strand). Cytogenetic location: 22q13.33.
Variant type: Deletion.
Coding change: c.1078del on transcript NM_001953.5 (MANE Select); coding-DNA position 1078, one base deleted (C; older notation c.1078delC).
Protein change: p.Leu360fs; shifts the reading frame from leucine 360.
Molecular consequence: frameshift variant. On other transcripts: 5 prime UTR variant (1).
Genome position (GRCh38, 1-based): chr22:50,526,327, G deleted on the plus strand (C on the coding strand, the reverse complement: TYMP is on the minus strand); the first of 3 consecutive G bases (chr22:50,526,327-50,526,329); deleting any one gives the same sequence. VCF-style (leftmost placement, unchanged base first): chr22-50526326-AG-A. GRCh37 (hg19) VCF-style: chr22-50964755-AG-A.
Other names: c.1078del, p.Leu360fs (NM_001113755.3, NM_001113756.3, NM_001257988.1 and 1 more transcripts); c.-95del (NM_001169109.2); short protein forms L360fs.
Identifiers: ClinVar variation 2837097 (VCV002837097.3), dbSNP rs2522512318, ClinGen allele CA2739268038.

ClinVar aggregate classification (germline): Pathogenic (1 of 4 stars; one submission).

Submission:

Labcorp Genetics (formerly Invitae), Labcorp
Classification: Pathogenic. Last evaluated: 2023-02-14. Review status: criteria provided, single submitter. Criteria: Invitae Variant Classification Sherloc (09022015). Collection method: clinical testing. Allele origin: germline.
Comment: This sequence change results in a frameshift in the TYMP gene (p.Leu360Cysfs*?). While this is not anticipated to result in nonsense mediated decay, it is expected to disrupt the last 123 amino acid(s) of the TYMP protein and extend the protein by an uncertain number of additional additional amino acid residues. This variant is not present in population databases (gnomAD no frequency). This variant has not been reported in the literature in individuals affected with TYMP-related conditions. This variant results in an extension of the TYMP protein. Other variant(s) that result in a similarly extended protein product (p.Asp443Profs*?) have been determined to be pathogenic (PMID: 16198108; Invitae). This suggests that these extensions are likely to be disease-causing. For these reasons, this variant has been classified as Pathogenic.

Literature cited by the submitters: PubMed 16198108.